The following is an entry in ClinVar:

NM_182931.3(KMT2E):c.2971G>C (p.Gly991Arg)

Gene: KMT2E (lysine methyltransferase 2E (inactive); plus strand). Cytogenetic location: 7q22.3.
Variant type: single nucleotide variant.
Coding change: c.2971G>C on transcript NM_182931.3 (MANE Select); coding-DNA position 2971, G replaced by C.
Protein change: p.Gly991Arg; replaces glycine 991 with arginine.
Molecular consequence: missense variant.
Genome position (GRCh38, 1-based): chr7:105,107,428, G>C. VCF-style: chr7-105107428-G-C. GRCh37 (hg19) VCF-style: chr7-104747875-G-C.
Other names: c.2971G>C, p.Gly991Arg (NM_001410908.1, NM_018682.4); short protein forms G991R.
Identifiers: ClinVar variation 5023405 (VCV005023405.1).

ClinVar aggregate classification (germline): Uncertain significance (1 of 4 stars; one submission).

Conditions:
Inborn genetic diseases. Identifiers: MedGen C0950123, MeSH D030342.

gnomAD v4.1: 1 of 1,613,210 alleles (0.000062%); highest among the groups gnomAD compares: Non-Finnish European, 0.000085%; no homozygotes.

Submission:

Ambry Genetics
Classification: Uncertain significance for Inborn genetic diseases. Last evaluated: 2026-08-04. Review status: criteria provided, single submitter. Criteria: Ambry Variant Classification Scheme 2023. Collection method: clinical testing. Allele origin: germline.
Comment: The c.2971G>C (p.G991R) alteration is located in exon 22 (coding exon 20) of the KMT2E gene. This alteration results from a G to C substitution at nucleotide position 2971, causing the glycine (G) at amino acid position 991 to be replaced by an arginine (R). Based on data from gnomAD, the C allele has an overall frequency of <0.001% (1/250448) total alleles studied. The highest observed frequency was 0.001% (1/113356) of European (non-Finnish) alleles. Based on insufficient or conflicting evidence, the clinical significance of this alteration remains unclear.